The following is an entry in ClinVar:

ClinVar aggregate classification (germline): Uncertain significance (1 of 4 stars; one submission).

gnomAD v4.1: 1 of 1,610,772 alleles (0.000062%); highest among the groups gnomAD compares: Non-Finnish European, 0.000085%; no homozygotes.

Submission:

GeneDx
Classification: Uncertain significance. Last evaluated: 2024-06-24. Review status: criteria provided, single submitter. Criteria: GeneDx Variant Classification Process June 2021. Collection method: clinical testing. Allele origin: germline.
Comment: Not observed at significant frequency in large population cohorts (gnomAD); In silico analysis indicates that this missense variant does not alter protein structure/function; Has not been previously published as pathogenic or benign to our knowledge

NM_015021.3(ZNF292):c.1946A>G (p.Asn649Ser)

Gene: ZNF292 (zinc finger protein 292; plus strand). Cytogenetic location: 6q14.3.
Variant type: single nucleotide variant.
Coding change: c.1946A>G on transcript NM_015021.3 (MANE Select); coding-DNA position 1946, A replaced by G.
Protein change: p.Asn649Ser; replaces asparagine 649 with serine.
Molecular consequence: missense variant.
Genome position (GRCh38, 1-based): chr6:87,255,575, A>G. VCF-style: chr6-87255575-A-G. GRCh37 (hg19) VCF-style: chr6-87965293-A-G.
Other names: c.1526A>G, p.Asn509Ser (NM_001351444.2); short protein forms N509S, N649S.
Identifiers: ClinVar variation 2503159 (VCV002503159.2), dbSNP rs1160342281, ClinGen allele CA364911057.
Genomic context (GRCh38, chr6:87,255,575, plus strand): 5'-AACAGGAGCAGCGACCTATAAAAAAGAATAGTCTCTATTCAACAGATTTTATAGTGTTTA[A>G]TGACAATGATGGTTCAGATGATGAGAATGATGACAAAGATAAATCCTATGAGCCAGAAGT-3'
Protein context (NP_055836.1, residues 639-659): SLYSTDFIVF[Asn649Ser]DNDGSDDEND